The following is an entry in ClinVar:

ClinVar aggregate classification (germline): Uncertain significance. Review status: criteria provided, multiple submitters, no conflicts (2 of 4 stars). 3 submissions from 3 submitters: Uncertain significance (3). Last evaluated 2024-08-03.

Conditions:
C1Q deficiency 2. Identifiers: MedGen C5830422, MONDO:0958187, OMIM 620321.

Allele frequency attached by ClinVar (database versions not stated): gnomAD 0.00001; TOPMed 0.00002; gnomAD exomes 0.00003 and 0.00005; ExAC 0.00006; 1000 Genomes Project 30x 0.00016.

Submissions (3):

Labcorp Genetics (formerly Invitae), Labcorp
Classification: Uncertain significance. Last evaluated: 2024-08-03. Review status: criteria provided, single submitter. Criteria: Invitae Variant Classification Sherloc (09022015). Collection method: clinical testing. Allele origin: germline.
Comment: This sequence change replaces glycine, which is neutral and non-polar, with arginine, which is basic and polar, at codon 33 of the C1QB protein (p.Gly33Arg). This variant is present in population databases (rs764348361, gnomAD 0.01%). This variant has not been reported in the literature in individuals affected with C1QB-related conditions. ClinVar contains an entry for this variant (Variation ID: 1443928). An algorithm developed to predict the effect of missense changes on protein structure and function outputs the following: PolyPhen-2: "Possibly Damaging". The arginine amino acid residue is found in multiple mammalian species, which suggests that this missense change does not adversely affect protein function. In summary, the available evidence is currently insufficient to determine the role of this variant in disease. Therefore, it has been classified as a Variant of Uncertain Significance.

Mayo Clinic Laboratories, Mayo Clinic
Classification: Uncertain significance. Last evaluated: 2024-05-08. Review status: criteria provided, single submitter. Criteria: ACMG Guidelines, 2015. Collection method: clinical testing. Allele origin: germline. Observed: 1 variant allele.

Fulgent Genetics
Classification: Uncertain significance for C1Q deficiency 2. Last evaluated: 2024-03-25. Review status: criteria provided, single submitter. Criteria: ACMG Guidelines, 2015. Collection method: clinical testing. Allele origin: germline.

NM_001378156.1(C1QB):c.91G>A (p.Gly31Arg)

Gene: C1QB (complement C1q B chain; plus strand). Cytogenetic location: 1p36.12.
Variant type: single nucleotide variant.
Coding change: c.91G>A on transcript NM_001378156.1 (MANE Select); coding-DNA position 91, G replaced by A.
Protein change: p.Gly31Arg; replaces glycine 31 with arginine.
Molecular consequence: missense variant.
Genome position (GRCh38, 1-based): chr1:22,659,553, G>A. VCF-style: chr1-22659553-G-A. GRCh37 (hg19) VCF-style: chr1-22986046-G-A.
Other names: p.Gly33Arg; c.97G>A, p.Gly33Arg (NM_000491.5); c.91G>A, p.Gly31Arg (NM_001371184.3); c.97G>A (NM_000491.4); short protein forms G33R, G31R.
Identifiers: ClinVar variation 1443928 (VCV001443928.7), dbSNP rs764348361, ClinGen allele CA678089.
Genomic context (GRCh38, chr1:22,659,553, plus strand): 5'-CTGATGTTGCTCCTGCTCCTGGGCCTAATCGATATCTCCCAGGCCCAGCTCAGCTGCACC[G>A]GGCCCCCAGCCATCCCTGGCATCCCGGGTATCCCTGGGACACCTGGCCCCGATGGCCAAC-3'
Protein context (NP_001365085.1, residues 21-41): DISQAQLSCT[Gly31Arg]PPAIPGIPGI